The following is an entry in ClinVar:

ClinVar aggregate classification (germline): Conflicting classifications of pathogenicity. Review status: criteria provided, conflicting classifications (1 of 4 stars). 8 submissions from 8 submitters: Uncertain significance (7); Likely benign (1). Last evaluated 2025-12-22.

Conditions:
Hereditary cancer-predisposing syndrome. Also called: Tumor predisposition; Hereditary Cancer Syndrome; Hereditary neoplastic syndrome; Neoplastic Syndromes, Hereditary. Identifiers: Orphanet 140162, MedGen C0027672, MeSH D009386, MONDO:0015356.
Hereditary breast ovarian cancer syndrome. Also called: Breast and ovarian cancer; Hereditary breast and ovarian cancer; Hereditary breast and ovarian cancer syndrome; Hereditary breast and ovarian cancer syndrome (HBOC); BRCA1- and BRCA2-Associated Hereditary Breast and Ovarian Cancer; Hereditary breast and/or ovarian cancer syndrome. Identifiers: Orphanet 145, MedGen C0677776, MeSH D061325, MONDO:0003582. Disease mechanism: loss of function.
Breast-ovarian cancer, familial, susceptibility to, 2 (BROVCA2). Also called: BRCA2 Hereditary Breast and Ovarian Cancer. Identifiers: Orphanet 145, MedGen C2675520, MONDO:0012933, OMIM 612555. Disease mechanism: loss of function.
Familial cancer of breast. Also called: BREAST CANCER, FAMILIAL; hereditary breast carcinoma; Hereditary breast cancer. Identifiers: Orphanet 227535, MedGen C0346153, MONDO:0016419, OMIM 114480. Disease mechanism: loss of function.

Submissions (8):

Labcorp Genetics (formerly Invitae), Labcorp
Classification: Uncertain significance for Hereditary breast ovarian cancer syndrome. Last evaluated: 2025-12-22. Review status: criteria provided, single submitter. Criteria: Invitae Variant Classification Sherloc (09022015). Collection method: clinical testing. Allele origin: germline.
Comment: This variant, c.4412_4414del, results in the deletion of 1 amino acid(s) of the BRCA2 protein (p.Arg1471del), but otherwise preserves the integrity of the reading frame. This variant is not present in population databases (gnomAD no frequency). This variant has been observed in individual(s) with breast and/or ovarian cancer (PMID: 29335924, 31159747). ClinVar contains an entry for this variant (Variation ID: 265056). Experimental studies and prediction algorithms are not available or were not evaluated, and the functional significance of this variant is currently unknown. In summary, the available evidence is currently insufficient to determine the role of this variant in disease. Therefore, it has been classified as a Variant of Uncertain Significance.

Ambry Genetics
Classification: Uncertain significance for Hereditary cancer-predisposing syndrome. Last evaluated: 2025-05-12. Review status: criteria provided, single submitter. Criteria: Ambry Variant Classification Scheme 2023. Collection method: clinical testing. Allele origin: germline.
Comment: The c.4412_4414delGAA variant (also known as p.R1471del) is located in coding exon 10 of the BRCA2 gene. This variant results from an in-frame GAA deletion at nucleotide positions 4412 to 4414. This results in the in-frame deletion of an arginine at codon 1471. This variant was also detected in 2/616 Romanian breast and ovarian cancer patients (Grigore LG et al. Curr Issues Mol Biol, 2024 May;46:4630-4645). This amino acid position is poorly conserved in available vertebrate species. In addition, the in silico prediction for this variant is inconclusive (Choi Y et al. PLoS ONE. 2012; 7(10):e46688). Based on the available evidence, the clinical significance of this variant remains unclear.

Blueprint Genetics
Classification: Likely benign. Last evaluated: 2024-09-14. Review status: criteria provided, single submitter. Criteria: ACMG Guidelines, 2015. Collection method: clinical testing. Allele origin: germline.

Color Diagnostics, LLC DBA Color Health
Classification: Uncertain significance for Hereditary cancer-predisposing syndrome. Last evaluated: 2024-03-04. Review status: criteria provided, single submitter. Criteria: ACMG Guidelines, 2015. Collection method: clinical testing. Allele origin: germline.
Comment: This variant causes an in-frame deletion of 1 amino acid at codon 1471 of the BRCA2 protein. To our knowledge, functional studies have not been performed for this variant. This variant has been reported in individuals affected with BRCA2-associated cancers (PMID: 29335924; Color internal data) and in an unaffected healthy control (PMID 18844490). This variant has not been identified in the general population by the Genome Aggregation Database (gnomAD). The available evidence is insufficient to determine the role of this variant in disease conclusively. Therefore, this variant is classified as a Variant of Uncertain Significance.

Baylor Genetics
Classification: Uncertain significance for Familial cancer of breast. Last evaluated: 2023-09-21. Review status: criteria provided, single submitter. Criteria: ACMG Guidelines, 2015. Collection method: clinical testing. Allele origin: unknown.

All of Us Research Program, National Institutes of Health
Classification: Uncertain significance for Breast-ovarian cancer, familial, susceptibility to, 2. Last evaluated: 2023-05-04. Review status: criteria provided, single submitter. Criteria: ACMG Guidelines, 2015. Collection method: clinical testing. Allele origin: germline. Inheritance: Autosomal dominant inheritance. Observed: 1 variant allele, 1 heterozygote.
Comment: This variant causes an in-frame deletion of 1 amino acid of the BRCA2 protein. Splice site prediction tools suggest that this variant may not impact RNA splicing. To our knowledge, functional studies have not been performed for this variant. This variant has been reported in individuals affected with advanced cancer including breast cancer (PMID 28873162, 29335924) and in unaffected healthy control (PMID 18844490). This variant has not been identified in the general population by the Genome Aggregation Database (gnomAD). The available evidence is insufficient to determine the role of this variant in disease conclusively. Therefore, this variant is classified as a Variant of Uncertain Significance.

This study involves interpretation of variants in research participants for the purpose of population health screening. Participant phenotype was not available at the time of variant classification. Additional details can be found in publication PMID: 35346344, PMCID: PMC8962531

GeneDx
Classification: Uncertain significance. Last evaluated: 2019-05-24. Review status: criteria provided, single submitter. Criteria: GeneDx Variant Classification Process June 2021. Collection method: clinical testing. Allele origin: germline. Affected: yes.
Comment: Not observed in large population cohorts (Lek et al., 2016); In-frame deletion of 1 amino acid in a non-repeat region; In silico analysis, which includes protein predictors and evolutionary conservation, supports a deleterious effect; This variant is associated with the following publications: (PMID: 29335924, 18844490, 31159747)

GeneKor MSA
Classification: Uncertain significance for Hereditary cancer-predisposing syndrome. Last evaluated: 2018-08-01. Review status: criteria provided, single submitter. Criteria: ACMG Guidelines, 2015. Collection method: clinical testing. Allele origin: germline. Affected: yes.

Literature cited by the submitters: PubMed 29335924 (cited by Labcorp Genetics (formerly Invitae), Labcorp and Color Diagnostics, LLC DBA Color Health); PubMed 31159747 (cited by Labcorp Genetics (formerly Invitae), Labcorp and Ambry Genetics); PubMed 18844490 (cited by Ambry Genetics and Color Diagnostics, LLC DBA Color Health); PubMed 24052750 (cited by Ambry Genetics); PubMed 38785549 (cited by Ambry Genetics).

NM_000059.4(BRCA2):c.4412_4414del (p.Arg1471del)

Gene: BRCA2 (BRCA2 DNA repair associated; plus strand). Cytogenetic location: 13q13.1.
Variant type: Deletion.
Coding change: c.4412_4414del on transcript NM_000059.4 (MANE Select); coding-DNA positions 4412 to 4414, 3 bases deleted (GAA; older notation c.4412_4414delGAA).
Protein change: p.Arg1471del; deletes arginine 1471.
Molecular consequence: inframe deletion.
Genome position (GRCh38, 1-based): chr13:32,338,767-32,338,769, GAA deleted; deleting any 3 consecutive bases within chr13:32,338,765-32,338,769 gives the same sequence; the c. name uses the placement nearest the transcript's 3' end. VCF-style (leftmost placement, unchanged base first): chr13-32338764-TAAG-T. GRCh37 (hg19) VCF-style: chr13-32912901-TAAG-T.
Other names: c.4412_4414delGAA (NM_000059.3); short protein forms R1471del.
Identifiers: ClinVar variation 265056 (VCV000265056.28), dbSNP rs886039317, ClinGen allele CA10588563.
Genomic context (GRCh38, chr13:32,338,764, plus strand): 5'-TTGATCAGAAACCAGAAGAATTGCATAACTTTTCCTTAAATTCTGAATTACATTCTGACA[TAAG>T]AAAGAACAAAATGGACATTCTAAGTTATGAGGAAACAGACATAGTTAAACACAAAATACT-3'